The following is an entry in ClinVar:

NM_000051.4(ATM):c.4433A>G (p.Gln1478Arg)

Gene: ATM (ATM serine/threonine kinase; plus strand). Cytogenetic location: 11q22.3.
Variant type: single nucleotide variant.
Coding change: c.4433A>G on transcript NM_000051.4 (MANE Select); coding-DNA position 4433, A replaced by G.
Protein change: p.Gln1478Arg; replaces glutamine 1478 with arginine.
Molecular consequence: missense variant.
Genome position (GRCh38, 1-based): chr11:108,289,798, A>G. VCF-style: chr11-108289798-A-G. GRCh37 (hg19) VCF-style: chr11-108160525-A-G.
Other names: c.4433A>G, p.Gln1478Arg (NM_001351834.2); short protein forms Q1478R.
Identifiers: ClinVar variation 972530 (VCV000972530.13), dbSNP rs2082686442, ClinGen allele CA382532290.

ClinVar aggregate classification (germline): Uncertain significance. Review status: criteria provided, multiple submitters, no conflicts (2 of 4 stars). 4 submissions from 4 submitters: Uncertain significance (3). 1 of the submissions does not count toward it. Last evaluated 2024-04-10.

Conditions:
Hereditary cancer-predisposing syndrome. Also called: Tumor predisposition; Hereditary Cancer Syndrome; Neoplastic Syndromes, Hereditary; Hereditary neoplastic syndrome. Identifiers: Orphanet 140162, MedGen C0027672, MeSH D009386, MONDO:0015356.
Ataxia-telangiectasia syndrome (AT). Also called: Ataxia telangiectasia (A-T); Ataxia-telangiectasia; Cerebello-oculocutaneous telangiectasia; Immunodeficiency with ataxia telangiectasia; ATAXIA-TELANGIECTASIA, FRESNO VARIANT; LOUIS-BAR SYNDROME. Identifiers: Orphanet 100, MedGen C0004135, MONDO:0008840, OMIM 208900.

Submissions (4):

Ambry Genetics
Classification: Uncertain significance for Hereditary cancer-predisposing syndrome. Last evaluated: 2024-04-10. Review status: criteria provided, single submitter. Criteria: Ambry Variant Classification Scheme 2023. Collection method: clinical testing. Allele origin: germline.
Comment: The p.Q1478R variant (also known as c.4433A>G), located in coding exon 28 of the ATM gene, results from an A to G substitution at nucleotide position 4433. The glutamine at codon 1478 is replaced by arginine, an amino acid with highly similar properties. This amino acid position is conserved. In addition, this alteration is predicted to be tolerated by in silico analysis. Based on the available evidence, the clinical significance of this variant remains unclear.

Institute for Biomarker Research, Medical Diagnostic Laboratories, L.L.C.
Classification: Uncertain significance for Hereditary cancer-predisposing syndrome. Last evaluated: 2023-06-27. Review status: criteria provided, single submitter. Criteria: ACMG Guidelines, 2015. Collection method: clinical testing. Allele origin: germline.

Labcorp Genetics (formerly Invitae), Labcorp
Classification: Uncertain significance for Ataxia-telangiectasia syndrome. Last evaluated: 2022-08-09. Review status: criteria provided, single submitter. Criteria: Invitae Variant Classification Sherloc (09022015). Collection method: clinical testing. Allele origin: germline.
Comment: In summary, the available evidence is currently insufficient to determine the role of this variant in disease. Therefore, it has been classified as a Variant of Uncertain Significance. Advanced modeling of protein sequence and biophysical properties (such as structural, functional, and spatial information, amino acid conservation, physicochemical variation, residue mobility, and thermodynamic stability) performed at Invitae indicates that this missense variant is not expected to disrupt ATM protein function. ClinVar contains an entry for this variant (Variation ID: 972530). This variant has not been reported in the literature in individuals affected with ATM-related conditions. This variant is not present in population databases (gnomAD no frequency). This sequence change replaces glutamine, which is neutral and polar, with arginine, which is basic and polar, at codon 1478 of the ATM protein (p.Gln1478Arg).

Natera, Inc.
Classification: Uncertain significance for Ataxia-telangiectasia. Last evaluated: 2025-05-01. Review status: no assertion criteria provided. Collection method: clinical testing. Allele origin: germline. Not counted in ClinVar's aggregate classification.